The following is an entry in ClinVar:

ClinVar aggregate classification (germline): Uncertain significance (1 of 4 stars; one submission).

Conditions:
DNA ligase IV deficiency. Identifiers: Orphanet 99812, MedGen C1847827, MONDO:0011686, OMIM 606593.

gnomAD v4.1: 2 of 1,612,144 alleles (0.00012%); highest among the groups gnomAD compares: Middle Eastern, 0.016%; no homozygotes.

Submission:

Labcorp Genetics (formerly Invitae), Labcorp
Classification: Uncertain significance for DNA ligase IV deficiency. Last evaluated: 2024-04-05. Review status: criteria provided, single submitter. Criteria: Invitae Variant Classification Sherloc (09022015). Collection method: clinical testing. Allele origin: germline.
Comment: This sequence change replaces aspartic acid, which is acidic and polar, with histidine, which is basic and polar, at codon 416 of the LIG4 protein (p.Asp416His). This variant is not present in population databases (gnomAD no frequency). This variant has not been reported in the literature in individuals affected with LIG4-related conditions. Advanced modeling of protein sequence and biophysical properties (such as structural, functional, and spatial information, amino acid conservation, physicochemical variation, residue mobility, and thermodynamic stability) performed at Invitae indicates that this missense variant is expected to disrupt LIG4 protein function with a positive predictive value of 80%. In summary, the available evidence is currently insufficient to determine the role of this variant in disease. Therefore, it has been classified as a Variant of Uncertain Significance.

NM_206937.2(LIG4):c.1246G>C (p.Asp416His)

Gene: LIG4 (DNA ligase 4; minus strand). Cytogenetic location: 13q33.3.
Variant type: single nucleotide variant.
Coding change: c.1246G>C on transcript NM_206937.2 (MANE Select); coding-DNA position 1246, G replaced by C.
Protein change: p.Asp416His; replaces aspartic acid 416 with histidine.
Molecular consequence: missense variant.
Genome position (GRCh38, 1-based): chr13:108,210,023, C>G on the plus strand (G>C on the coding strand, the complement: LIG4 is on the minus strand). VCF-style: chr13-108210023-C-G. GRCh37 (hg19) VCF-style: chr13-108862371-C-G.
Other names: c.1246G>C, p.Asp416His (NM_001098268.2, NM_001352598.2, NM_001352599.2 and 6 more transcripts); c.1045G>C, p.Asp349His (NM_001330595.2); c.1282G>C, p.Asp428His (NM_001352604.2); short protein forms D349H, D416H, D428H.
Identifiers: ClinVar variation 3618937 (VCV003618937.2).
Genomic context (GRCh38, chr13:108,210,023, plus strand): 5'-ATAGAGGTTGTTTTACCATAATTCCCTCTTCTCTTTTATCTATTGCTTCATTCAATGCAT[C>G]AATTACTTCATTCTTAGTATGAGCTTGTGTTTTCTGCACTATTTCTATTCTACCTGGAAT-3'
Protein context (NP_996820.1, residues 406-426): TQAHTKNEVI[Asp416His]ALNEAIDKRE